The following is an entry in ClinVar:

NM_020832.3(ZNF687):c.170C>T (p.Ala57Val)

Gene: ZNF687 (zinc finger protein 687; plus strand). Cytogenetic location: 1q21.3.
Variant type: single nucleotide variant.
Coding change: c.170C>T on transcript NM_020832.3 (MANE Select); coding-DNA position 170, C replaced by T.
Protein change: p.Ala57Val; replaces alanine 57 with valine.
Molecular consequence: missense variant.
Genome position (GRCh38, 1-based): chr1:151,286,461, C>T. VCF-style: chr1-151286461-C-T. GRCh37 (hg19) VCF-style: chr1-151258937-C-T.
Other names: c.170C>T, p.Ala57Val (NM_001304763.2, NM_001304764.2); short protein forms A57V.
Identifiers: ClinVar variation 4696552 (VCV004696552.1).
Genomic context (GRCh38, chr1:151,286,461, plus strand): 5'-CTGGAGGCCCAGGGAAGCCAGAACCAGGTGTAGGAAGTGAATCTGAAGACACAGCAGCAG[C>T]CTCTGCTGGGGATGGCCCTGGAGTTCCAGCCCAGGCCTCTGACCATGGCCTGCCACCGCC-3'
Protein context (NP_065883.1, residues 47-67): VGSESEDTAA[Ala57Val]SAGDGPGVPA

ClinVar aggregate classification (germline): Uncertain significance (1 of 4 stars; one submission).

Submission:

Labcorp Genetics (formerly Invitae), Labcorp
Classification: Uncertain significance. Last evaluated: 2025-03-31. Review status: criteria provided, single submitter. Criteria: Invitae Variant Classification Sherloc (09022015). Collection method: clinical testing. Allele origin: germline.
Comment: This sequence change replaces alanine, which is neutral and non-polar, with valine, which is neutral and non-polar, at codon 57 of the ZNF687 protein (p.Ala57Val). This variant is not present in population databases (gnomAD no frequency). This variant has not been reported in the literature in individuals affected with ZNF687-related conditions. An algorithm developed to predict the effect of missense changes on protein structure and function outputs the following: PolyPhen-2: "Benign". The valine amino acid residue is found in multiple mammalian species, which suggests that this missense change does not adversely affect protein function. In summary, the available evidence is currently insufficient to determine the role of this variant in disease. Therefore, it has been classified as a Variant of Uncertain Significance.